The following is an entry in ClinVar:

ClinVar aggregate classification (germline): Pathogenic (1 of 4 stars; one submission).

Submission:

Labcorp Genetics (formerly Invitae), Labcorp
Classification: Pathogenic. Last evaluated: 2021-08-11. Review status: criteria provided, single submitter. Criteria: Invitae Variant Classification Sherloc (09022015). Collection method: clinical testing. Allele origin: germline.
Comment: This variant has not been reported in the literature in individuals affected with TUB-related conditions. For these reasons, this variant has been classified as Pathogenic. The frequency data for this variant in the population databases is considered unreliable, as metrics indicate poor data quality at this position in the ExAC database. This sequence change creates a premature translational stop signal (p.Gln316Profs*31) in the TUB gene. It is expected to result in an absent or disrupted protein product. Loss-of-function variants in TUB are known to be pathogenic (PMID: 24375934).

Literature cited by the submitters: PubMed 24375934.

NM_177972.3(TUB):c.781dup (p.Gln261fs)

Genes: RIC3 (RIC3 acetylcholine receptor chaperone; minus strand), TUB (TUB bipartite transcription factor; plus strand). Cytogenetic location: 11p15.4.
Variant type: Duplication.
Coding change: c.781dup on transcript NM_177972.3 (MANE Select); coding-DNA position 781, one base duplicated (C; older notation c.781dupC).
Protein change: p.Gln261fs; shifts the reading frame from glutamine 261.
Molecular consequence: frameshift variant.
Genome position (GRCh38, 1-based): chr11:8,097,321, C duplicated; the last of 6 consecutive C bases (chr11:8,097,316-8,097,321); duplicating any one gives the same sequence. VCF-style (leftmost placement, unchanged base first): chr11-8097315-G-GC. GRCh37 (hg19) VCF-style: chr11-8118862-G-GC.
Other names: c.946dup, p.Gln316fs (NM_003320.5); short protein forms Q261fs, Q316fs.
Identifiers: ClinVar variation 1460462 (VCV001460462.6), dbSNP rs759016192, ClinGen allele CA5871230.